The following is an entry in ClinVar:

ClinVar aggregate classification (germline): Uncertain significance (1 of 4 stars; one submission).

Conditions:
Inborn genetic diseases. Identifiers: MedGen C0950123, MeSH D030342.

Submission:

Ambry Genetics
Classification: Uncertain significance for Inborn genetic diseases. Last evaluated: 2025-11-17. Review status: criteria provided, single submitter. Criteria: Ambry Variant Classification Scheme 2023. Collection method: clinical testing. Allele origin: germline.
Comment: The p.P311S variant (also known as c.931C>T), located in coding exon 1 of the SAMD9 gene, results from a C to T substitution at nucleotide position 931. The proline at codon 311 is replaced by serine, an amino acid with similar properties. This amino acid position is conserved. In addition, this alteration is predicted to be tolerated by in silico analysis. Based on the available evidence, the clinical significance of this variant remains unclear.

NM_017654.4(SAMD9):c.931C>T (p.Pro311Ser)

Gene: SAMD9 (sterile alpha motif domain containing 9; minus strand). Cytogenetic location: 7q21.2.
Variant type: single nucleotide variant.
Coding change: c.931C>T on transcript NM_017654.4 (MANE Select); coding-DNA position 931, C replaced by T.
Protein change: p.Pro311Ser; replaces proline 311 with serine.
Molecular consequence: missense variant.
Genome position (GRCh38, 1-based): chr7:93,105,167, G>A on the plus strand (C>T on the coding strand, the complement: SAMD9 is on the minus strand). VCF-style: chr7-93105167-G-A. GRCh37 (hg19) VCF-style: chr7-92734480-G-A.
Other names: c.931C>T, p.Pro311Ser (NM_001193307.2); short protein forms P311S.
Identifiers: ClinVar variation 4629949 (VCV004629949.1).